The following is an entry in ClinVar:

NM_004984.4(KIF5A):c.2621C>T (p.Ala874Val)

Gene: KIF5A (kinesin family member 5A; plus strand). Cytogenetic location: 12q13.3.
Variant type: single nucleotide variant.
Coding change: c.2621C>T on transcript NM_004984.4 (MANE Select); coding-DNA position 2621, C replaced by T.
Protein change: p.Ala874Val; replaces alanine 874 with valine.
Molecular consequence: missense variant.
Genome position (GRCh38, 1-based): chr12:57,581,038, C>T. VCF-style: chr12-57581038-C-T. GRCh37 (hg19) VCF-style: chr12-57974821-C-T.
Other names: c.2354C>T, p.Ala785Val (NM_001354705.2); short protein forms A785V, A874V.
Identifiers: ClinVar variation 3665677 (VCV003665677.2).
Genomic context (GRCh38, chr12:57,581,038, plus strand): 5'-TGCGTTGTGAGCTTCCTAAATTGGAAAAACGACTTAGGGCTACGGCTGAGAGAGTTAAGG[C>T]CCTGGAGGGTGCACTGAAGGAGGCCAAGGAGGGCGCCATGAAGGACAAGCGCCGGTACCA-3'
Protein context (NP_004975.2, residues 864-884): RLRATAERVK[Ala874Val]LEGALKEAKE

ClinVar aggregate classification (germline): Uncertain significance (1 of 4 stars; one submission).

Conditions:
Spastic paraplegia. Identifiers: MedGen C0037772, HP:0001258.

gnomAD v4.1: 9 of 1,614,064 alleles (0.00056%); highest among the groups gnomAD compares: Non-Finnish European, 0.00068%; no homozygotes.

Submission:

Labcorp Genetics (formerly Invitae), Labcorp
Classification: Uncertain significance for Spastic paraplegia. Last evaluated: 2024-08-28. Review status: criteria provided, single submitter. Criteria: Invitae Variant Classification Sherloc (09022015). Collection method: clinical testing. Allele origin: germline.
Comment: This sequence change replaces alanine, which is neutral and non-polar, with valine, which is neutral and non-polar, at codon 874 of the KIF5A protein (p.Ala874Val). This variant is present in population databases (rs748759066, gnomAD 0.005%). This variant has not been reported in the literature in individuals affected with KIF5A-related conditions. Invitae Evidence Modeling of protein sequence and biophysical properties (such as structural, functional, and spatial information, amino acid conservation, physicochemical variation, residue mobility, and thermodynamic stability) has been performed for this missense variant. However, the output from this modeling did not meet the statistical confidence thresholds required to predict the impact of this variant on KIF5A protein function. In summary, the available evidence is currently insufficient to determine the role of this variant in disease. Therefore, it has been classified as a Variant of Uncertain Significance.